The following is an entry in ClinVar:

ClinVar aggregate classification (germline): Likely benign (0 of 4 stars; one submission).

Conditions:
CHRM3-related disorder. Also called: CHRM3-related condition.

gnomAD v4.1: 12 of 1,613,842 alleles (0.00074%); highest among the groups gnomAD compares: Admixed American, 0.0017%; no homozygotes.

Submission:

PreventionGenetics, part of Exact Sciences
Classification: Likely benign for CHRM3-related condition. Last evaluated: 2024-09-12. Review status: no assertion criteria provided. Collection method: clinical testing. Allele origin: germline.
Comment: This variant is classified as likely benign based on ACMG/AMP sequence variant interpretation guidelines (Richards et al. 2015 PMID: 25741868, with internal and published modifications).

NM_001375978.1(CHRM3):c.1302C>T (p.Ala434=)

Gene: CHRM3 (cholinergic receptor muscarinic 3; plus strand). Cytogenetic location: 1q43.
Variant type: single nucleotide variant.
Coding change: c.1302C>T on transcript NM_001375978.1 (MANE Select); coding-DNA position 1302, C replaced by T.
Protein change: p.Ala434=; no amino-acid change (alanine 434 retained).
Molecular consequence: synonymous variant.
Genome position (GRCh38, 1-based): chr1:239,908,753, C>T. VCF-style: chr1-239908753-C-T. GRCh37 (hg19) VCF-style: chr1-240072053-C-T.
Other names: c.1302C>T, p.Ala434= (NM_000740.4, NM_001347716.2, NM_001375979.1 and 6 more transcripts).
Identifiers: ClinVar variation 3357550 (VCV003357550.1).